The following is an entry in ClinVar:

NM_020806.5(GPHN):c.596C>T (p.Thr199Ile)

Gene: GPHN (gephyrin; plus strand). Cytogenetic location: 14q23.3.
Variant type: single nucleotide variant.
Coding change: c.596C>T on transcript NM_020806.5 (MANE Select); coding-DNA position 596, C replaced by T.
Protein change: p.Thr199Ile; replaces threonine 199 with isoleucine.
Molecular consequence: missense variant.
Genome position (GRCh38, 1-based): chr14:66,922,805, C>T. VCF-style: chr14-66922805-C-T. GRCh37 (hg19) VCF-style: chr14-67389522-C-T.
Other names: c.596C>T, p.Thr199Ile (NM_001024218.2, NM_001377515.1, NM_001377516.1 and 2 more transcripts); c.635C>T, p.Thr212Ile (NM_001377514.1, NM_001377519.1); short protein forms T199I, T212I.
Identifiers: ClinVar variation 2993978 (VCV002993978.3), dbSNP rs1886411694, ClinGen allele CA390256284.

ClinVar aggregate classification (germline): Uncertain significance (1 of 4 stars; one submission).

Conditions:
Sulfite oxidase deficiency due to molybdenum cofactor deficiency type C. Also called: Molybdenum cofactor deficiency, complementation group C; Molybdenum cofactor deficiency C. Identifiers: Orphanet 308400, Orphanet 833, MedGen C1854990, MONDO:0014212, OMIM 615501.

Allele frequency attached by ClinVar (database versions not stated): gnomAD exomes below 0.00001; gnomAD 0.00001.
gnomAD v4.1: 3 of 1,612,652 alleles (0.00019%); highest among the groups gnomAD compares: African/African-American, 0.0027%; no homozygotes.

Submission:

Labcorp Genetics (formerly Invitae), Labcorp
Classification: Uncertain significance for Sulfite oxidase deficiency due to molybdenum cofactor deficiency type C. Last evaluated: 2023-07-20. Review status: criteria provided, single submitter. Criteria: Invitae Variant Classification Sherloc (09022015). Collection method: clinical testing. Allele origin: germline.
Comment: In summary, the available evidence is currently insufficient to determine the role of this variant in disease. Therefore, it has been classified as a Variant of Uncertain Significance. Advanced modeling of protein sequence and biophysical properties (such as structural, functional, and spatial information, amino acid conservation, physicochemical variation, residue mobility, and thermodynamic stability) performed at Invitae indicates that this missense variant is not expected to disrupt GPHN protein function. This variant has not been reported in the literature in individuals affected with GPHN-related conditions. This variant is not present in population databases (gnomAD no frequency). This sequence change replaces threonine, which is neutral and polar, with isoleucine, which is neutral and non-polar, at codon 199 of the GPHN protein (p.Thr199Ile).